The following is an entry in ClinVar:

NM_003073.5(SMARCB1):c.75C>A (p.Phe25Leu)

Gene: SMARCB1 (SWI/SNF related BAF chromatin remodeling complex subunit B1; plus strand). Cytogenetic location: 22q11.23.
Variant type: single nucleotide variant.
Coding change: c.75C>A on transcript NM_003073.5 (MANE Select); coding-DNA position 75, C replaced by A.
Protein change: p.Phe25Leu; replaces phenylalanine 25 with leucine.
Molecular consequence: missense variant.
Genome position (GRCh38, 1-based): chr22:23,787,244, C>A. VCF-style: chr22-23787244-C-A. GRCh37 (hg19) VCF-style: chr22-24129431-C-A.
Other names: c.75C>A, p.Phe25Leu (NM_001007468.3, NM_001317946.2, NM_001362877.2); short protein forms F25L.
Identifiers: ClinVar variation 5029937 (VCV005029937.1).

ClinVar aggregate classification (germline): Uncertain significance (1 of 4 stars; one submission).

Conditions:
Hereditary cancer-predisposing syndrome. Also called: Neoplastic Syndromes, Hereditary; Tumor predisposition; Hereditary neoplastic syndrome; Hereditary Cancer Syndrome. Identifiers: Orphanet 140162, MedGen C0027672, MeSH D009386, MONDO:0015356.

Submission:

Ambry Genetics
Classification: Uncertain significance for Hereditary cancer-predisposing syndrome. Last evaluated: 2026-07-13. Review status: criteria provided, single submitter. Criteria: Ambry Variant Classification Scheme 2023. Collection method: clinical testing. Allele origin: germline.
Comment: The p.F25L variant (also known as c.75C>A), located in coding exon 1 of the SMARCB1 gene, results from a C to A substitution at nucleotide position 75. The phenylalanine at codon 25 is replaced by leucine, an amino acid with highly similar properties. This amino acid position is well conserved in available vertebrate species. In addition, the in silico prediction for this alteration is inconclusive. Based on the available evidence, the clinical significance of this variant remains unclear.